The following is an entry in ClinVar:

ClinVar aggregate classification (germline): Likely benign (0 of 4 stars; one submission).

Conditions:
KCNK3-related disorder. Also called: KCNK3-related condition.

Allele frequency attached by ClinVar (database versions not stated): gnomAD exomes 0.00002; gnomAD 0.00010; TOPMed 0.00014.
gnomAD v4.1: 40 of 1,321,204 alleles (0.003%); highest among the groups gnomAD compares: East Asian, 0.1%; no homozygotes.

Submission:

PreventionGenetics, part of Exact Sciences
Classification: Likely benign for KCNK3-related condition. Last evaluated: 2019-09-10. Review status: no assertion criteria provided. Collection method: clinical testing. Allele origin: germline.
Comment: This variant is classified as likely benign based on ACMG/AMP sequence variant interpretation guidelines (Richards et al. 2015 PMID: 25741868, with internal and published modifications).

NM_002246.3(KCNK3):c.-2C>A

Gene: KCNK3 (potassium two pore domain channel subfamily K member 3; plus strand). Cytogenetic location: 2p23.3.
Variant type: single nucleotide variant.
Coding change: c.-2C>A on transcript NM_002246.3 (MANE Select); 2 bases upstream of the start codon, C replaced by A.
Molecular consequence: 5 prime UTR variant.
Genome position (GRCh38, 1-based): chr2:26,692,874, C>A. VCF-style: chr2-26692874-C-A. GRCh37 (hg19) VCF-style: chr2-26915742-C-A.
Identifiers: ClinVar variation 3039976 (VCV003039976.2), dbSNP rs756684255, ClinGen allele CA1565422.